The following is an entry in ClinVar:

ClinVar aggregate classification (germline): Uncertain significance (1 of 4 stars; one submission).

Conditions:
Charcot-Marie-Tooth disease axonal type 2O. Also called: CHARCOT-MARIE-TOOTH NEUROPATHY, AXONAL, TYPE 2O; CHARCOT-MARIE-TOOTH DISEASE, AXONAL, AUTOSOMAL DOMINANT, TYPE 2O; Charcot-Marie-Tooth Neuropathy Type 2O; Charcot-Marie-Tooth disease, axonal, type 20. Identifiers: Orphanet 284232, MedGen C3280220, MONDO:0013644, OMIM 614228.

Allele frequency attached by ClinVar (database versions not stated): gnomAD exomes below 0.00001.
gnomAD v4.1: 1 of 1,614,216 alleles (0.000062%); highest among the groups gnomAD compares: Non-Finnish European, 0.000085%; no homozygotes.

Submission:

Labcorp Genetics (formerly Invitae), Labcorp
Classification: Uncertain significance for Charcot-Marie-Tooth disease axonal type 2O. Last evaluated: 2018-12-15. Review status: criteria provided, single submitter. Criteria: Invitae Variant Classification Sherloc (09022015). Collection method: clinical testing. Allele origin: germline.
Comment: Algorithms developed to predict the effect of missense changes on protein structure and function (SIFT, PolyPhen-2, Align-GVGD) all suggest that this variant is likely to be tolerated, but these predictions have not been confirmed by published functional studies and their clinical significance is uncertain. In summary, the available evidence is currently insufficient to determine the role of this variant in disease. Therefore, it has been classified as a Variant of Uncertain Significance. This variant has not been reported in the literature in individuals with DYNC1H1-related conditions. This variant is not present in population databases (ExAC no frequency). This sequence change replaces serine with cysteine at codon 4250 of the DYNC1H1 protein (p.Ser4250Cys). The serine residue is highly conserved and there is a moderate physicochemical difference between serine and cysteine.

NM_001376.5(DYNC1H1):c.12749C>G (p.Ser4250Cys)

Gene: DYNC1H1 (dynein cytoplasmic 1 heavy chain 1; plus strand). Cytogenetic location: 14q32.31.
Variant type: single nucleotide variant.
Coding change: c.12749C>G on transcript NM_001376.5 (MANE Select); coding-DNA position 12749, C replaced by G.
Protein change: p.Ser4250Cys; replaces serine 4250 with cysteine.
Molecular consequence: missense variant.
Genome position (GRCh38, 1-based): chr14:102,044,338, C>G. VCF-style: chr14-102044338-C-G. GRCh37 (hg19) VCF-style: chr14-102510675-C-G.
Other names: short protein forms S4250C.
Identifiers: ClinVar variation 656580 (VCV000656580.8), dbSNP rs1595633349, ClinGen allele CA391043784.
Genomic context (GRCh38, chr14:102,044,338, plus strand): 5'-GGCAGAACATCTCACCGGATAAGATCCCGTGGTCTGCACTAAAGACCTTAATGGCCCAGT[C>G]CATTTATGGCGGGCGCGTGGACAACGAGTTTGACCAGCGTCTGCTCAACACCTTCCTGGA-3'
Protein context (NP_001367.2, residues 4240-4260): WSALKTLMAQ[Ser4250Cys]IYGGRVDNEF